The following is an entry in ClinVar:

NM_003924.4(PHOX2B):c.758C>T (p.Ala253Val)

Genes: PHOX2B (paired like homeobox 2B; minus strand), LOC110011216 (paired like homeobox 2b polyalanine repeat instability region; plus strand). Cytogenetic location: 4p13.
Variant type: single nucleotide variant.
Coding change: c.758C>T on transcript NM_003924.4 (MANE Select); coding-DNA position 758, C replaced by T.
Protein change: p.Ala253Val; replaces alanine 253 with valine.
Molecular consequence: missense variant.
Genome position (GRCh38, 1-based): chr4:41,745,994, G>A on the plus strand (C>T on the coding strand, the complement: PHOX2B is on the minus strand). VCF-style: chr4-41745994-G-A. GRCh37 (hg19) VCF-style: chr4-41748011-G-A.
Other names: short protein forms A253V.
Identifiers: ClinVar variation 5026569 (VCV005026569.1).

ClinVar aggregate classification (germline): Uncertain significance (1 of 4 stars; one submission).

Conditions:
Hereditary cancer-predisposing syndrome. Also called: Neoplastic Syndromes, Hereditary; Tumor predisposition; Hereditary neoplastic syndrome; Hereditary Cancer Syndrome. Identifiers: Orphanet 140162, MedGen C0027672, MeSH D009386, MONDO:0015356.

Submission:

Ambry Genetics
Classification: Uncertain significance for Hereditary cancer-predisposing syndrome. Last evaluated: 2026-07-06. Review status: criteria provided, single submitter. Criteria: Ambry Variant Classification Scheme 2023. Collection method: clinical testing. Allele origin: germline.
Comment: The p.A253V variant (also known as c.758C>T), located in coding exon 3 of the PHOX2B gene, results from a C to T substitution at nucleotide position 758. The alanine at codon 253 is replaced by valine, an amino acid with similar properties. This amino acid position is conserved. In addition, this alteration is predicted to be tolerated by in silico analysis. Based on the available evidence, the clinical significance of this variant remains unclear.